The following is an entry in ClinVar:

ClinVar aggregate classification (germline): Pathogenic. Review status: criteria provided, multiple submitters, no conflicts (2 of 4 stars). 2 submissions from 2 submitters: Pathogenic (2). Last evaluated 2019-05-28.

Conditions:
Familial X-linked hypophosphatemic vitamin D refractory rickets (XLHRD). Also called: HYPOPHOSPHATEMIC VITAMIN D-RESISTANT RICKETS; Hypophosphatemia, vitamin D-resistant rickets; Vitamin D-resistant rickets, X-linked; X-Linked Hypophosphatemia; Hypophosphatemic Rickets, X-Linked Dominant. Identifiers: Orphanet 89936, MedGen C0733682, MONDO:0010619, OMIM 307800.

Submissions (2):

Mendelics
Classification: Pathogenic for Familial X-linked hypophosphatemic vitamin D refractory rickets. Last evaluated: 2019-05-28. Review status: criteria provided, single submitter. Criteria: Mendelics Assertion Criteria 2017. Collection method: clinical testing. Allele origin: unknown.

Juno Genomics, Hangzhou Juno Genomics, Inc
Classification: Pathogenic for Familial X-linked hypophosphatemic vitamin D refractory rickets. Review status: criteria provided, single submitter. Criteria: ACMG Guidelines, 2015. Collection method: clinical testing. Allele origin: germline. Affected: yes.
Comment: Null variant in a gene where loss of function (LOF) is a known mechanism of disease.;Absent from controls (or at extremely low frequency if recessive) in Genome Aggregation Database, Exome Sequencing Project, 1000 Genomes Project, or Exome Aggregation Consortium.;Patient's phenotype or family history is highly specific for a disease with a single genetic etiology.

NM_000444.6(PHEX):c.985del (p.His329fs)

Gene: PHEX (phosphate regulating endopeptidase X-linked; plus strand). Cytogenetic location: Xp22.11.
Variant type: Deletion.
Coding change: c.985del on transcript NM_000444.6 (MANE Select); coding-DNA position 985, one base deleted (C; older notation c.985delC).
Protein change: p.His329fs; shifts the reading frame from histidine 329.
Molecular consequence: frameshift variant.
Genome position (GRCh38, 1-based): chrX:22,099,057, C deleted; the last of 5 consecutive C bases (chrX:22,099,053-22,099,057); deleting any one gives the same sequence. VCF-style (leftmost placement, unchanged base first): chrX-22099052-AC-A. GRCh37 (hg19) VCF-style: chrX-22117170-AC-A.
Other names: c.985del, p.His329fs (NM_001282754.2); short protein forms H329fs.
Identifiers: ClinVar variation 803750 (VCV000803750.3), dbSNP rs1556025994, ClinGen allele CA915950851.